The following is an entry in ClinVar:

NM_000287.4(PEX6):c.2702del (p.Val901fs)

Gene: PEX6 (peroxisomal biogenesis factor 6; minus strand). Cytogenetic location: 6p21.1.
Variant type: Deletion.
Coding change: c.2702del on transcript NM_000287.4 (MANE Select); coding-DNA position 2702, one base deleted (T; older notation c.2702delT).
Protein change: p.Val901fs; shifts the reading frame from valine 901.
Molecular consequence: frameshift variant. On other transcripts: non-coding transcript variant (1).
Genome position (GRCh38, 1-based): chr6:42,964,894, A deleted on the plus strand (T on the coding strand, the reverse complement: PEX6 is on the minus strand). VCF-style (leftmost placement, unchanged base first): chr6-42964893-CA-C. GRCh37 (hg19) VCF-style: chr6-42932631-CA-C.
Other names: c.2438del, p.Val813fs (NM_001316313.2); short protein forms V813fs, V901fs.
Identifiers: ClinVar variation 987309 (VCV000987309.3), dbSNP rs1769688206, ClinGen allele CA1139659536.

ClinVar aggregate classification (germline): Pathogenic/Likely pathogenic. Review status: criteria provided, multiple submitters, no conflicts (2 of 4 stars). 2 submissions from 2 submitters: Pathogenic (1); Likely pathogenic (1). Last evaluated 2024-08-05.

Conditions:
Peroxisome biogenesis disorder 4A (Zellweger) (PBD4A). Also called: Zellweger syndrome spectrum (PEX6-related). Identifiers: Orphanet 912, MedGen C3553936, MONDO:0013930, OMIM 614862. Disease mechanism: loss of function.

Submissions (2):

Clinical Genetics Laboratory, Skane University Hospital Lund
Classification: Pathogenic for Peroxisome biogenesis disorder 4A (Zellweger). Last evaluated: 2024-08-05. Review status: criteria provided, single submitter. Criteria: ACMG Guidelines, 2015. Collection method: clinical testing. Allele origin: biparental. Affected: yes.
Comment: ACMG criteria used: PVS1, PS4_Supporting, PM2

Institute of Medical Genetics and Applied Genomics, University Hospital Tübingen
Classification: Likely pathogenic. Last evaluated: 2020-10-23. Review status: criteria provided, single submitter. Criteria: ACMG Guidelines, 2015. Collection method: clinical testing. Allele origin: germline. Inheritance: Autosomal recessive inheritance. Affected: yes.